The following is an entry in ClinVar:

NM_002691.4(POLD1):c.203-14C>T

Gene: POLD1 (DNA polymerase delta 1, catalytic subunit; plus strand). Cytogenetic location: 19q13.33.
Variant type: single nucleotide variant.
Coding change: c.203-14C>T on transcript NM_002691.4 (MANE Select); 14 bases into the intron before coding-DNA position 203, C replaced by T.
Molecular consequence: intron variant.
Genome position (GRCh38, 1-based): chr19:50,399,357, C>T. VCF-style: chr19-50399357-C-T. GRCh37 (hg19) VCF-style: chr19-50902614-C-T.
Other names: c.203-14C>T (LRG_785t1, LRG_785t2, NM_001256849.1 and 1 more transcripts).
Identifiers: ClinVar variation 386698 (VCV000386698.4), dbSNP rs1057522577, ClinGen allele CA16608240.
Genomic context (GRCh38, chr19:50,399,357, plus strand): 5'-TCAGAACCACATGCCATCCTGGCCGGGGAAGACCATGACTCCATGTACTCCACTTCCTTC[C>T]CTTCCCCCACCAGGGCAGGTCCCACCATCAGCCATAGATCCTCGCTGGCTTCGGCCCACA-3'

ClinVar aggregate classification (germline): Conflicting classifications of pathogenicity. Review status: criteria provided, conflicting classifications (1 of 4 stars). 2 submissions from 2 submitters: Uncertain significance (1); Likely benign (1). Last evaluated 2023-03-10.

Conditions:
POLD1-related polyposis and colorectal cancer syndrome (CRCS10). Also called: Colorectal cancer, susceptibility to, 10; Colorectal cancer 10; COLORECTAL CANCER, SUSCEPTIBILITY TO, ON CHROMOSOME 19q. Identifiers: Orphanet 220460, MedGen C2675481, MONDO:0012953, OMIM 612591.

Submissions (2):

Labcorp Genetics (formerly Invitae), Labcorp
Classification: Uncertain significance for POLD1-related polyposis and colorectal cancer syndrome. Last evaluated: 2023-03-10. Review status: criteria provided, single submitter. Criteria: Invitae Variant Classification Sherloc (09022015). Collection method: clinical testing. Allele origin: germline.
Comment: In summary, the available evidence is currently insufficient to determine the role of this variant in disease. Therefore, it has been classified as a Variant of Uncertain Significance. Algorithms developed to predict the effect of sequence changes on RNA splicing suggest that this variant may disrupt the consensus splice site. ClinVar contains an entry for this variant (Variation ID: 386698). This variant has not been reported in the literature in individuals affected with POLD1-related conditions. This variant is not present in population databases (gnomAD no frequency). This sequence change falls in intron 2 of the POLD1 gene. It does not directly change the encoded amino acid sequence of the POLD1 protein.

GeneDx
Classification: Likely benign. Last evaluated: 2016-06-06. Review status: criteria provided, single submitter. Criteria: GeneDx Variant Classification (06012015). Collection method: clinical testing. Allele origin: germline. Affected: yes.
Comment: This variant is considered likely benign or benign based on one or more of the following criteria: it is a conservative change, it occurs at a poorly conserved position in the protein, it is predicted to be benign by multiple in silico algorithms, and/or has population frequency not consistent with disease.